The following is an entry in ClinVar:

ClinVar aggregate classification (germline): Likely pathogenic. Review status: criteria provided, multiple submitters, no conflicts (2 of 4 stars). 3 submissions from 3 submitters: Likely pathogenic (3). Last evaluated 2024-08-23.

Conditions:
Hepatoencephalopathy due to combined oxidative phosphorylation defect type 1. Also called: HEPATOENCEPHALOPATHY, EARLY FATAL PROGRESSIVE. Identifiers: Orphanet 137681, MedGen C1836797, MONDO:0012191, OMIM 609060.

Allele frequency attached by ClinVar (database versions not stated): gnomAD 0.00001; TOPMed 0.00002.
gnomAD v4.1: 37 of 1,573,682 alleles (0.0024%); highest among the groups gnomAD compares: Non-Finnish European, 0.0031%; no homozygotes.

Submissions (3):

Natera, Inc.
Classification: Likely pathogenic for Combined oxidative phosphorylation deficiency 1. Last evaluated: 2024-08-23. Review status: criteria provided, single submitter. Criteria: Natera Variant Classification Schema (03/2026). Collection method: clinical testing. Allele origin: germline.
Comment: The c.81+1G>A variant in GFM1 is a canonical splice donor site variant predicted to affect pre-mRNA splicing, which may result in an abnormal transcript and altered protein product. This variant is expected to result in nonsense mediated decay, truncation, or a dysfunctional protein product. This variant is rare in the general population with a frequency below the threshold expected for the associated phenotype(s). Given the available evidence, this variant is classified as Likely Pathogenic.

Service de Génétique Médicale, Centre Hospitalier Universitaire de Nice-Université Côte d'Azur
Classification: Likely pathogenic for Hepatoencephalopathy due to combined oxidative phosphorylation defect type 1. Last evaluated: 2024-02-27. Review status: criteria provided, single submitter. Criteria: ACMG Guidelines, 2015. Collection method: clinical testing. Allele origin: germline. Affected: yes.

Labcorp Genetics (formerly Invitae), Labcorp
Classification: Likely pathogenic. Last evaluated: 2023-10-22. Review status: criteria provided, single submitter. Criteria: Invitae Variant Classification Sherloc (09022015). Collection method: clinical testing. Allele origin: germline.
Comment: This sequence change affects a donor splice site in intron 1 of the GFM1 gene. It is expected to disrupt RNA splicing. Variants that disrupt the donor or acceptor splice site typically lead to a loss of protein function (PMID: 16199547), and loss-of-function variants in GFM1 are known to be pathogenic (PMID: 16632485, 17160893). The frequency data for this variant in the population databases is considered unreliable, as metrics indicate poor data quality at this position in the gnomAD database. This variant has not been reported in the literature in individuals affected with GFM1-related conditions. ClinVar contains an entry for this variant (Variation ID: 1067176). Algorithms developed to predict the effect of sequence changes on RNA splicing suggest that this variant may disrupt the consensus splice site. In summary, the currently available evidence indicates that the variant is pathogenic, but additional data are needed to prove that conclusively. Therefore, this variant has been classified as Likely Pathogenic.

Literature cited by the submitters: PubMed 38703036 (cited by Service de Génétique Médicale, Centre Hospitalier Universitaire de Nice-Université Côte d'Azur); PubMed 16199547 (cited by Labcorp Genetics (formerly Invitae), Labcorp); PubMed 16632485 (cited by Labcorp Genetics (formerly Invitae), Labcorp); PubMed 17160893 (cited by Labcorp Genetics (formerly Invitae), Labcorp).

NM_024996.7(GFM1):c.81+1G>A

Gene: GFM1 (G elongation factor mitochondrial 1; plus strand). Cytogenetic location: 3q25.32.
Variant type: single nucleotide variant.
Coding change: c.81+1G>A on transcript NM_024996.7 (MANE Select); the canonical splice donor site of the intron after coding-DNA position 81, G replaced by A.
Molecular consequence: splice donor variant. On other transcripts: 5 prime UTR variant (1).
Genome position (GRCh38, 1-based): chr3:158,644,716, G>A. VCF-style: chr3-158644716-G-A. GRCh37 (hg19) VCF-style: chr3-158362505-G-A.
Other names: c.81+1G>A (NM_024996.5, NM_001308164.2, NM_001374355.1 and 3 more transcripts); c.-310G>A (NM_001374357.1); c.-149+1G>A (NM_001374359.1, NM_001374360.1, NM_001374361.1).
Identifiers: ClinVar variation 1067176 (VCV001067176.13), dbSNP rs1262218849, ClinGen allele CA355175071.